The following is an entry in ClinVar:

ClinVar aggregate classification (germline): Pathogenic (1 of 4 stars; one submission).

Conditions:
Familial cancer of breast. Also called: Hereditary breast cancer; hereditary breast carcinoma; BREAST CANCER, FAMILIAL. Identifiers: Orphanet 227535, MedGen C0346153, MONDO:0016419, OMIM 114480. Disease mechanism: loss of function.

Submission:

Labcorp Genetics (formerly Invitae), Labcorp
Classification: Pathogenic for Hereditary Breast Carcinoma. Last evaluated: 2018-12-31. Review status: criteria provided, single submitter. Criteria: Invitae Variant Classification Sherloc (09022015). Collection method: clinical testing. Allele origin: germline.
Comment: This variant is a gross deletion of the genomic region encompassing exons 11-13 of the PALB2 gene. The 5' boundary is likely confined to intron 12. The 3' end of this event is unknown as it extends through the termination codon beyond the assayed region for this gene and may encompass additional genes. While this deletion is not anticipated to result in nonsense mediated decay, it is expected to create a truncated PALB2 protein. While this particular variant has not been reported in the literature, loss-of-function variants in PALB2 are known to be pathogenic (PMID: 25099575, 17200668). This deletion eliminates a portion of the WD40 functional domain, which is encoded by exons 7 to 13 of the PALB2 mRNA. The entire WD40 domain is required for normal PALB2 protein function (PMID: 19423707, 16793542, 17200671), and loss-of-function mutations that disrupt this domain have been classified as pathogenic (Invitae). This deletion is likely to truncate the PALB2 protein and abolish its DNA repair function. For these reasons, this variant has been classified as Pathogenic.

Literature cited by the submitters: PubMed 25099575; PubMed 17200671; PubMed 16793542; PubMed 19423707; PubMed 17200668.

NC_000016.10:g.(?_23603449)_(23614101_?)del

Gene: PALB2 (partner and localizer of BRCA2; minus strand). Cytogenetic location: 16p12.2.
Variant type: Deletion.
Identifiers: ClinVar variation 660706 (VCV000660706.2).